The following is an entry in ClinVar:

NM_178012.5(TUBB2B):c.1066_1070del (p.Ile356fs)

Gene: TUBB2B (tubulin beta 2B class IIb; minus strand). Cytogenetic location: 6p25.2.
Variant type: Deletion.
Coding change: c.1066_1070del on transcript NM_178012.5 (MANE Select); coding-DNA positions 1066 to 1070, 5 bases deleted (ATCCC; older notation c.1066_1070delATCCC).
Protein change: p.Ile356fs; shifts the reading frame from isoleucine 356.
Molecular consequence: frameshift variant.
Genome position (GRCh38, 1-based): chr6:3,225,019-3,225,023, GGGAT deleted on the plus strand (ATCCC on the coding strand, the reverse complement: TUBB2B is on the minus strand); deleting any 5 consecutive bases within chr6:3,225,019-3,225,024 gives the same sequence; the c. name uses the placement nearest the transcript's 3' end. VCF-style (leftmost placement, unchanged base first): chr6-3225018-CGGGAT-C. GRCh37 (hg19) VCF-style: chr6-3225252-CGGGAT-C.
Other names: short protein forms I356fs.
Identifiers: ClinVar variation 1722865 (VCV001722865.2), dbSNP rs2533617094, ClinGen allele CA2578518366.

ClinVar aggregate classification (germline): Uncertain significance (1 of 4 stars; one submission).

Submission:

GeneDx
Classification: Uncertain significance. Last evaluated: 2022-05-04. Review status: criteria provided, single submitter. Criteria: GeneDx Variant Classification Process June 2021. Collection method: clinical testing. Allele origin: germline. Affected: yes.
Comment: Not observed at significant frequency in large population cohorts (gnomAD); Frameshift variant predicted to result in protein truncation as the last 90 amino acids are replaced with 165 different amino acids, although loss-of-function variants have not been reported downstream of this position in the protein; Has not been previously published as pathogenic or benign to our knowledge; This variant is associated with the following publications: (PMID: 27010057)